The following is an entry in ClinVar:

NM_001211.6(BUB1B):c.545_546delinsCA (p.Lys182Thr)

Gene: BUB1B (BUB1 mitotic checkpoint serine/threonine kinase B; plus strand). Cytogenetic location: 15q15.1.
Variant type: Indel.
Coding change: c.545_546delinsCA on transcript NM_001211.6 (MANE Select); coding-DNA positions 545 to 546, AG replaced by CA.
Protein change: p.Lys182Thr; replaces lysine 182 with threonine.
Molecular consequence: missense variant.
Genome position (GRCh38, 1-based): chr15:40,176,637-40,176,638, AG replaced by CA. VCF-style: chr15-40176637-AG-CA. GRCh37 (hg19) VCF-style: chr15-40468838-AG-CA.
Other names: short protein forms K182T.
Identifiers: ClinVar variation 2698565 (VCV002698565.3), dbSNP rs2542524303, ClinGen allele CA2697554345.

ClinVar aggregate classification (germline): Uncertain significance (1 of 4 stars; one submission).

Conditions:
Mosaic variegated aneuploidy syndrome 1 (MVA1). Also called: Warburton-Anyane-Yeboa syndrome. Identifiers: Orphanet 1052, MedGen C1850343, MONDO:0009759, OMIM 257300.

Submission:

Labcorp Genetics (formerly Invitae), Labcorp
Classification: Uncertain significance for Mosaic variegated aneuploidy syndrome 1. Last evaluated: 2023-11-24. Review status: criteria provided, single submitter. Criteria: Invitae Variant Classification Sherloc (09022015). Collection method: clinical testing. Allele origin: germline.
Comment: This sequence change replaces lysine, which is basic and polar, with threonine, which is neutral and polar, at codon 182 of the BUB1B protein (p.Lys182Thr). Information on the frequency of this variant in the gnomAD database is not available, as this variant may be reported differently in the database. This variant has not been reported in the literature in individuals affected with BUB1B-related conditions. An algorithm developed to predict the effect of missense changes on protein structure and function (PolyPhen-2) suggests that this variant is likely to be tolerated. In summary, the available evidence is currently insufficient to determine the role of this variant in disease. Therefore, it has been classified as a Variant of Uncertain Significance.